The following is an entry in ClinVar:

ClinVar aggregate classification (germline): Benign/Likely benign. Review status: criteria provided, multiple submitters, no conflicts (2 of 4 stars). 3 submissions from 3 submitters: Benign (1); Likely benign (2). Last evaluated 2025-03-11.

Conditions:
Pheochromocytoma/paraganglioma syndrome 5. Also called: Paragangliomas 5; SDHA-Related Hereditary Paraganglioma-Pheochromocytoma Syndrome. Identifiers: Orphanet 29072, MedGen C3279992, MONDO:0013602, OMIM 614165.
Mitochondrial complex II deficiency, nuclear type 1. Also called: SUCCINATE CoQ REDUCTASE DEFICIENCY. Identifiers: Orphanet 3208, MedGen C5700310, MONDO:0100294, OMIM 252011.
Hereditary cancer-predisposing syndrome. Also called: Tumor predisposition; Hereditary Cancer Syndrome; Hereditary neoplastic syndrome; Neoplastic Syndromes, Hereditary. Identifiers: Orphanet 140162, MedGen C0027672, MeSH D009386, MONDO:0015356.

gnomAD v4.1: 3 of 1,611,552 alleles (0.00019%); highest among the groups gnomAD compares: Non-Finnish European, 0.00025%; no homozygotes.

Submissions (3):

Myriad Genetics, Inc.
Classification: Benign for Pheochromocytoma/paraganglioma syndrome 5. Last evaluated: 2025-03-11. Review status: criteria provided, single submitter. Criteria: Myriad Autosomal Dominant, Autosomal Recessive and X-Linked Classification Criteria (2023). Collection method: clinical testing. Allele origin: unknown.
Comment: This variant is considered benign. This variant is a silent/synonymous amino acid change and it is not expected to impact splicing.

Labcorp Genetics (formerly Invitae), Labcorp
Classification: Likely benign for Pheochromocytoma/paraganglioma syndrome 5; Mitochondrial complex II deficiency, nuclear type 1. Last evaluated: 2024-04-04. Review status: criteria provided, single submitter. Criteria: Invitae Variant Classification Sherloc (09022015). Collection method: clinical testing. Allele origin: germline.

Ambry Genetics
Classification: Likely benign for Hereditary cancer-predisposing syndrome. Last evaluated: 2021-06-22. Review status: criteria provided, single submitter. Criteria: Ambry Variant Classification Scheme 2023. Collection method: clinical testing. Allele origin: germline.

NM_004168.4(SDHA):c.1660C>A (p.Arg554=)

Gene: SDHA (succinate dehydrogenase complex flavoprotein subunit A; plus strand). Cytogenetic location: 5p15.33.
Variant type: single nucleotide variant.
Coding change: c.1660C>A on transcript NM_004168.4 (MANE Select); coding-DNA position 1660, C replaced by A.
Protein change: p.Arg554=; no amino-acid change (arginine 554 retained).
Molecular consequence: synonymous variant. On other transcripts: intron variant (1).
Genome position (GRCh38, 1-based): chr5:251,100, C>A. VCF-style: chr5-251100-C-A. GRCh37 (hg19) VCF-style: chr5-251215-C-A.
Other names: c.1516C>A, p.Arg506= (NM_001294332.2); c.1552-3293C>A (NM_001330758.2).
Identifiers: ClinVar variation 1573810 (VCV001573810.11), dbSNP rs9809219, ClinGen allele CA442657317.
Genomic context (GRCh38, chr5:251,100, plus strand): 5'-GAAGGTTGTGGGAAAATCAGCAAGCTCTATGGAGACCTAAAGCACCTGAAGACGTTCGAC[C>A]GGGGTGAGCAGACAGTGGGCTCTGTGCACACTGTTGGGCCCTTCCTTCTGCAGGGTGGGC-3'
Protein context (NP_004159.2, residues 544-564): GDLKHLKTFD[Arg554=]GMVWNTDLVE